The following is an entry in ClinVar:

NM_152773.5(DYNLT2B):c.36C>T (p.Gly12=)

Genes: DYNLT2B (dynein light chain Tctex-type 2B; minus strand), TM4SF19-DYNLT2B (TM4SF19-DYNLT2B readthrough (NMD candidate); minus strand), LOC129938285 (ATAC-STARR-seq lymphoblastoid active region 21087; plus strand). Cytogenetic location: 3q29.
Variant type: single nucleotide variant.
Coding change: c.36C>T on transcript NM_152773.5 (MANE Select); coding-DNA position 36, C replaced by T.
Protein change: p.Gly12=; no amino-acid change (glycine 12 retained).
Molecular consequence: synonymous variant.
Genome position (GRCh38, 1-based): chr3:196,318,117, G>A on the plus strand (C>T on the coding strand, the complement: DYNLT2B is on the minus strand). VCF-style: chr3-196318117-G-A. GRCh37 (hg19) VCF-style: chr3-196044988-G-A.
Other names: c.36C>T, p.Gly12= (NM_001351628.2).
Identifiers: ClinVar variation 1914949 (VCV001914949.5), dbSNP rs760110947, ClinGen allele CA2779848.

ClinVar aggregate classification (germline): Uncertain significance (1 of 4 stars; one submission).

Allele frequency attached by ClinVar (database versions not stated): ExAC 0.00004.
gnomAD v4.1: 28 of 1,557,226 alleles (0.0018%); highest among the groups gnomAD compares: South Asian, 0.024%; no homozygotes.

Submission:

Labcorp Genetics (formerly Invitae), Labcorp
Classification: Uncertain significance. Last evaluated: 2022-08-23. Review status: criteria provided, single submitter. Criteria: Invitae Variant Classification Sherloc (09022015). Collection method: clinical testing. Allele origin: germline.
Comment: In summary, the available evidence is currently insufficient to determine the role of this variant in disease. Therefore, it has been classified as a Variant of Uncertain Significance. Algorithms developed to predict the effect of sequence changes on RNA splicing suggest that this variant may disrupt the consensus splice site. This variant has not been reported in the literature in individuals affected with TCTEX1D2-related conditions. The frequency data for this variant in the population databases is considered unreliable, as metrics indicate poor data quality at this position in the gnomAD database. This sequence change affects codon 12 of the TCTEX1D2 mRNA. It is a 'silent' change, meaning that it does not change the encoded amino acid sequence of the TCTEX1D2 protein.